The following is an entry in ClinVar:

NM_006070.6(TFG):c.689C>A (p.Thr230Lys)

Gene: TFG (trafficking from ER to golgi regulator; plus strand). Cytogenetic location: 3q12.2.
Variant type: single nucleotide variant.
Coding change: c.689C>A on transcript NM_006070.6 (MANE Select); coding-DNA position 689, C replaced by A.
Protein change: p.Thr230Lys; replaces threonine 230 with lysine.
Molecular consequence: missense variant.
Genome position (GRCh38, 1-based): chr3:100,736,684, C>A. VCF-style: chr3-100736684-C-A. GRCh37 (hg19) VCF-style: chr3-100455528-C-A.
Other names: c.689C>A (NM_006070.5); c.689C>A, p.Thr230Lys (NM_001007565.2, NM_001195478.2, NM_001195479.2); short protein forms T230K.
Identifiers: ClinVar variation 1968160 (VCV001968160.7), dbSNP rs1170208575, ClinGen allele CA353847460.

ClinVar aggregate classification (germline): Uncertain significance. Review status: criteria provided, multiple submitters, no conflicts (2 of 4 stars). 3 submissions from 3 submitters: Uncertain significance (3). Last evaluated 2026-07-19.

Conditions:
Hereditary spastic paraplegia 57. Also called: Spastic paraplegia 57, autosomal recessive. Identifiers: Orphanet 431329, MedGen C3714897, MONDO:0014295, OMIM 615658.
Hereditary motor and sensory neuropathy, Okinawa type (HMSNO). Also called: HEREDITARY MOTOR AND SENSORY NEUROPATHY, PROXIMAL TYPE. Identifiers: Orphanet 90117, MedGen C1858338, MONDO:0011468, OMIM 604484.
Inborn genetic diseases. Identifiers: MedGen C0950123, MeSH D030342.
TFG-related disorder. Also called: TFG-related condition; TFG-related disorders.

gnomAD v4.1: 10 of 1,613,974 alleles (0.00062%); highest among the groups gnomAD compares: Non-Finnish European, 0.00085%; no homozygotes.

Submissions (3):

PreventionGenetics, part of Exact Sciences
Classification: Uncertain significance for TFG-related condition. Last evaluated: 2026-07-19. Review status: criteria provided, single submitter. Criteria: ACMG Guidelines, 2015. Collection method: clinical testing. Allele origin: germline.
Comment: The TFG c.689C>A variant is predicted to result in the amino acid substitution p.Thr230Lys. To our knowledge, this variant has not been reported in the literature or in a large population database (gnomAD), indicating this variant is rare. At this time, the clinical significance of this variant is uncertain due to the absence of conclusive functional and genetic evidence.

Ambry Genetics
Classification: Uncertain significance for Inborn genetic diseases. Last evaluated: 2024-07-25. Review status: criteria provided, single submitter. Criteria: Ambry Variant Classification Scheme 2023. Collection method: clinical testing. Allele origin: germline.

Labcorp Genetics (formerly Invitae), Labcorp
Classification: Uncertain significance for Hereditary motor and sensory neuropathy, Okinawa type; Hereditary spastic paraplegia 57. Last evaluated: 2024-01-13. Review status: criteria provided, single submitter. Criteria: Invitae Variant Classification Sherloc (09022015). Collection method: clinical testing. Allele origin: germline.
Comment: This sequence change replaces threonine, which is neutral and polar, with lysine, which is basic and polar, at codon 230 of the TFG protein (p.Thr230Lys). This variant is not present in population databases (gnomAD no frequency). This variant has not been reported in the literature in individuals affected with TFG-related conditions. ClinVar contains an entry for this variant (Variation ID: 1968160). Advanced modeling of protein sequence and biophysical properties (such as structural, functional, and spatial information, amino acid conservation, physicochemical variation, residue mobility, and thermodynamic stability) performed at Invitae indicates that this missense variant is not expected to disrupt TFG protein function with a negative predictive value of 80%. In summary, the available evidence is currently insufficient to determine the role of this variant in disease. Therefore, it has been classified as a Variant of Uncertain Significance.